The following is an entry in ClinVar:

NM_001367561.1(DOCK7):c.4105T>G (p.Cys1369Gly)

Gene: DOCK7 (dedicator of cytokinesis 7; minus strand). Cytogenetic location: 1p31.3.
Variant type: single nucleotide variant.
Coding change: c.4105T>G on transcript NM_001367561.1 (MANE Select); coding-DNA position 4105, T replaced by G.
Protein change: p.Cys1369Gly; replaces cysteine 1369 with glycine.
Molecular consequence: missense variant.
Genome position (GRCh38, 1-based): chr1:62,513,730, A>C on the plus strand (T>G on the coding strand, the complement: DOCK7 is on the minus strand). VCF-style: chr1-62513730-A-C. GRCh37 (hg19) VCF-style: chr1-62979401-A-C.
Other names: c.4105T>G, p.Cys1369Gly (NM_001271999.2, NM_001330614.2); c.4012T>G, p.Cys1338Gly (NM_001272000.2, NM_001272001.2, NM_033407.4); short protein forms C1338G, C1369G.
Identifiers: ClinVar variation 4540314 (VCV004540314.1).

ClinVar aggregate classification (germline): Uncertain significance (1 of 4 stars; one submission).

Submission:

GeneDx
Classification: Uncertain significance. Last evaluated: 2025-06-25. Review status: criteria provided, single submitter. Criteria: GeneDx Variant Classification Process June 2021. Collection method: clinical testing. Allele origin: germline. Affected: yes.
Comment: Not observed at significant frequency in large population cohorts (gnomAD); In silico analysis supports that this missense variant has a deleterious effect on protein structure/function; Has not been previously published as pathogenic or benign to our knowledge